The following is an entry in ClinVar:

ClinVar aggregate classification (germline): Uncertain significance (1 of 4 stars; one submission).

Conditions:
Vici syndrome (VICIS). Identifiers: Orphanet 1493, MedGen C1855772, MONDO:0009452, OMIM 242840.

Submission:

Labcorp Genetics (formerly Invitae), Labcorp
Classification: Uncertain significance for Vici syndrome. Last evaluated: 2022-05-04. Review status: criteria provided, single submitter. Criteria: Invitae Variant Classification Sherloc (09022015). Collection method: clinical testing. Allele origin: germline.
Comment: In summary, the available evidence is currently insufficient to determine the role of this variant in disease. Therefore, it has been classified as a Variant of Uncertain Significance. Algorithms developed to predict the effect of missense changes on protein structure and function are either unavailable or do not agree on the potential impact of this missense change (SIFT: "Deleterious"; PolyPhen-2: "Probably Damaging"; Align-GVGD: "Class C0"). This variant has not been reported in the literature in individuals affected with EPG5-related conditions. This variant is not present in population databases (gnomAD no frequency). This sequence change replaces glutamic acid, which is acidic and polar, with lysine, which is basic and polar, at codon 2535 of the EPG5 protein (p.Glu2535Lys).

NM_020964.3(EPG5):c.7603G>A (p.Glu2535Lys)

Gene: EPG5 (ectopic P-granules 5 autophagy tethering factor; minus strand). Cytogenetic location: 18q12.3.
Variant type: single nucleotide variant.
Coding change: c.7603G>A on transcript NM_020964.3 (MANE Select); coding-DNA position 7603, G replaced by A.
Protein change: p.Glu2535Lys; replaces glutamic acid 2535 with lysine.
Molecular consequence: missense variant.
Genome position (GRCh38, 1-based): chr18:45,852,604, C>T on the plus strand (G>A on the coding strand, the complement: EPG5 is on the minus strand). VCF-style: chr18-45852604-C-T. GRCh37 (hg19) VCF-style: chr18-43432569-C-T.
Other names: c.7600G>A, p.Glu2534Lys (NM_001410859.1); short protein forms E2534K, E2535K.
Identifiers: ClinVar variation 1918223 (VCV001918223.5), dbSNP rs2511418013, ClinGen allele CA402335401.
Genomic context (GRCh38, chr18:45,852,604, plus strand): 5'-GAAGGCAATGGCCAGGATGCCTTATAAATTGGGTGGCTTGCAATATTTGATCCTGGTATT[C>T]AACATACTGCTTACTTGATGCCATGGATTCAAGAGCATTCAGAGCCTAAAAGACACGGAA-3'
Protein context (NP_066015.2, residues 2525-2545): ESMASSKQYV[Glu2535Lys]YQDQILQATQ